The following is an entry in ClinVar:

NM_013447.4(ADGRE2):c.1110A>G (p.Gln370=)

Gene: ADGRE2 (adhesion G protein-coupled receptor E2; minus strand). Cytogenetic location: 19p13.12.
Variant type: single nucleotide variant.
Coding change: c.1110A>G on transcript NM_013447.4 (MANE Select); coding-DNA position 1110, A replaced by G.
Protein change: p.Gln370=; no amino-acid change (glutamine 370 retained).
Molecular consequence: synonymous variant.
Genome position (GRCh38, 1-based): chr19:14,756,320, T>C on the plus strand (A>G on the coding strand, the complement: ADGRE2 is on the minus strand). VCF-style: chr19-14756320-T-C. GRCh37 (hg19) VCF-style: chr19-14867132-T-C.
Other names: c.1110A>G, p.Gln370= (NM_001271052.1); c.963A>G, p.Gln321= (NM_152916.2); c.831A>G, p.Gln277= (NM_152917.2).
Identifiers: ClinVar variation 2018352 (VCV002018352.4), dbSNP rs2513109514, ClinGen allele CA505714125.

ClinVar aggregate classification (germline): Uncertain significance (1 of 4 stars; one submission).

Submission:

Labcorp Genetics (formerly Invitae), Labcorp
Classification: Uncertain significance. Last evaluated: 2022-07-20. Review status: criteria provided, single submitter. Criteria: Invitae Variant Classification Sherloc (09022015). Collection method: clinical testing. Allele origin: germline.
Comment: This variant has not been reported in the literature in individuals affected with ADGRE2-related conditions. This variant is not present in population databases (gnomAD no frequency). This sequence change affects codon 370 of the ADGRE2 mRNA. It is a 'silent' change, meaning that it does not change the encoded amino acid sequence of the ADGRE2 protein. Algorithms developed to predict the effect of sequence changes on RNA splicing suggest that this variant may disrupt the consensus splice site. In summary, the available evidence is currently insufficient to determine the role of this variant in disease. Therefore, it has been classified as a Variant of Uncertain Significance.